The following is an entry in ClinVar:

NM_024649.5(BBS1):c.403G>C (p.Glu135Gln)

Gene: BBS1 (Bardet-Biedl syndrome 1; plus strand). Cytogenetic location: 11q13.2.
Variant type: single nucleotide variant.
Coding change: c.403G>C on transcript NM_024649.5 (MANE Select); coding-DNA position 403, G replaced by C.
Protein change: p.Glu135Gln; replaces glutamic acid 135 with glutamine.
Molecular consequence: missense variant.
Genome position (GRCh38, 1-based): chr11:66,514,649, G>C. VCF-style: chr11-66514649-G-C. GRCh37 (hg19) VCF-style: chr11-66282120-G-C.
Other names: short protein forms E135Q.
Identifiers: ClinVar variation 3057321 (VCV003057321.2), dbSNP rs756740889, ClinGen allele CA224073260.

ClinVar aggregate classification (germline): Uncertain significance (0 of 4 stars; one submission).

Conditions:
BBS1-related disorder. Also called: BBS1-related condition.

Allele frequency attached by ClinVar (database versions not stated): TOPMed below 0.00001.
gnomAD v4.1: 2 of 1,612,908 alleles (0.00012%); highest among the groups gnomAD compares: Non-Finnish European, 0.00017%; no homozygotes.

Submission:

PreventionGenetics, part of Exact Sciences
Classification: Uncertain significance for BBS1-related condition. Last evaluated: 2023-11-20. Review status: no assertion criteria provided. Collection method: clinical testing. Allele origin: germline.
Comment: The BBS1 c.403G>C variant is predicted to result in the amino acid substitution p.Glu135Gln. To our knowledge, this variant has not been reported in the literature or in a large population database, indicating this variant is rare. At this time, the clinical significance of this variant is uncertain due to the absence of conclusive functional and genetic evidence.